The following is an entry in ClinVar:

ClinVar aggregate classification (germline): Conflicting classifications of pathogenicity. Review status: criteria provided, conflicting classifications (1 of 4 stars). 2 submissions from 2 submitters: Uncertain significance (1); Likely benign (1). Last evaluated 2025-03-08.

Allele frequency attached by ClinVar (database versions not stated): gnomAD 0.00001; ExAC 0.00002; gnomAD exomes 0.00001; TOPMed 0.00003.
gnomAD v4.1: 11 of 1,610,786 alleles (0.00068%); highest among the groups gnomAD compares: Admixed American, 0.0033%; no homozygotes.

Submissions (2):

Ambry Genetics
Classification: Likely benign. Last evaluated: 2025-03-08. Review status: criteria provided, single submitter. Criteria: Ambry Variant Classification Scheme 2023. Collection method: clinical testing. Allele origin: germline.

Labcorp Genetics (formerly Invitae), Labcorp
Classification: Uncertain significance. Last evaluated: 2025-02-19. Review status: criteria provided, single submitter. Criteria: Invitae Variant Classification Sherloc (09022015). Collection method: clinical testing. Allele origin: germline.
Comment: This sequence change replaces arginine, which is basic and polar, with tryptophan, which is neutral and slightly polar, at codon 46 of the TNFRSF6B protein (p.Arg46Trp). This variant is present in population databases (rs774448942, gnomAD 0.006%). This variant has not been reported in the literature in individuals affected with TNFRSF6B-related conditions. ClinVar contains an entry for this variant (Variation ID: 2885650). An algorithm developed to predict the effect of missense changes on protein structure and function outputs the following: PolyPhen-2: "Benign". The tryptophan amino acid residue is found in multiple mammalian species, which suggests that this missense change does not adversely affect protein function. In summary, the available evidence is currently insufficient to determine the role of this variant in disease. Therefore, it has been classified as a Variant of Uncertain Significance.

NM_003823.4(TNFRSF6B):c.136C>T (p.Arg46Trp)

Genes: RTEL1-TNFRSF6B (RTEL1-TNFRSF6B readthrough (NMD candidate); plus strand), TNFRSF6B (TNF receptor superfamily member 6b; plus strand). Cytogenetic location: 20q13.33.
Variant type: single nucleotide variant.
Coding change: c.136C>T on transcript NM_003823.4 (MANE Select); coding-DNA position 136, C replaced by T.
Protein change: p.Arg46Trp; replaces arginine 46 with tryptophan.
Molecular consequence: missense variant. On other transcripts: non-coding transcript variant (1).
Genome position (GRCh38, 1-based): chr20:63,696,903, C>T. VCF-style: chr20-63696903-C-T. GRCh37 (hg19) VCF-style: chr20-62328256-C-T.
Other names: c.136C>T (NM_003823.3); short protein forms R46W.
Identifiers: ClinVar variation 2885650 (VCV002885650.4), dbSNP rs774448942, ClinGen allele CA9966333.